The following is an entry in ClinVar:

ClinVar aggregate classification (germline): Uncertain significance (1 of 4 stars; one submission).

Allele frequency attached by ClinVar (database versions not stated): gnomAD 0.00001.
gnomAD v4.1: 6 of 1,613,934 alleles (0.00037%); highest among the groups gnomAD compares: East Asian, 0.0045%; no homozygotes.

Submission:

Labcorp Genetics (formerly Invitae), Labcorp
Classification: Uncertain significance. Last evaluated: 2021-02-22. Review status: criteria provided, single submitter. Criteria: Invitae Variant Classification Sherloc (09022015). Collection method: clinical testing. Allele origin: germline.
Comment: In summary, the available evidence is currently insufficient to determine the role of this variant in disease. Therefore, it has been classified as a Variant of Uncertain Significance. Algorithms developed to predict the effect of sequence changes on RNA splicing suggest that this variant may create or strengthen a splice site, but this prediction has not been confirmed by published transcriptional studies. Algorithms developed to predict the effect of missense changes on protein structure and function (SIFT, PolyPhen-2, Align-GVGD) all suggest that this variant is likely to be tolerated, but these predictions have not been confirmed by published functional studies and their clinical significance is uncertain. This variant has not been reported in the literature in individuals with SLC25A12-related conditions. This variant is present in population databases (rs375819100, ExAC 0.02%). This sequence change replaces arginine with glutamine at codon 603 of the SLC25A12 protein (p.Arg603Gln). The arginine residue is highly conserved and there is a small physicochemical difference between arginine and glutamine.

NM_003705.5(SLC25A12):c.1808G>A (p.Arg603Gln)

Gene: SLC25A12 (solute carrier family 25 member 12; minus strand). Cytogenetic location: 2q31.1.
Variant type: single nucleotide variant.
Coding change: c.1808G>A on transcript NM_003705.5 (MANE Select); coding-DNA position 1808, G replaced by A.
Protein change: p.Arg603Gln; replaces arginine 603 with glutamine.
Molecular consequence: missense variant. On other transcripts: non-coding transcript variant (1).
Genome position (GRCh38, 1-based): chr2:171,787,598, C>T on the plus strand (G>A on the coding strand, the complement: SLC25A12 is on the minus strand). VCF-style: chr2-171787598-C-T. GRCh37 (hg19) VCF-style: chr2-172644108-C-T.
Other names: short protein forms R603Q.
Identifiers: ClinVar variation 1429161 (VCV001429161.6), dbSNP rs375819100, ClinGen allele CA1966030.